The following is an entry in ClinVar:

ClinVar aggregate classification (germline): Likely benign. Review status: criteria provided, single submitter (1 of 4 stars). 2 submissions from 2 submitters: Likely benign (1). 1 of the submissions does not count toward it.

Conditions:
PXDNL-related disorder. Also called: PXDNL-related condition.

Allele frequency attached by ClinVar (database versions not stated): ExAC 0.00004; gnomAD 0.00007; TOPMed 0.00008; ESP Exome Variant Server 0.00017.
gnomAD v4.1: 45 of 1,613,444 alleles (0.0028%); highest among the groups gnomAD compares: Admixed American, 0.032%; no homozygotes.

Submissions (2):

Breakthrough Genomics
Classification: Likely benign. Review status: criteria provided, single submitter. Criteria: ACMG Guidelines, 2015. Collection method: not provided. Allele origin: germline. Inheritance: Unknown mechanism. Affected: yes.

PreventionGenetics, part of Exact Sciences
Classification: Likely benign for PXDNL-related condition. Last evaluated: 2019-04-08. Review status: no assertion criteria provided. Collection method: clinical testing. Allele origin: germline. Not counted in ClinVar's aggregate classification.
Comment: This variant is classified as likely benign based on ACMG/AMP sequence variant interpretation guidelines (Richards et al. 2015 PMID: 25741868, with internal and published modifications).

NM_144651.5(PXDNL):c.750C>T (p.Thr250=)

Gene: PXDNL (peroxidasin like; minus strand). Cytogenetic location: 8q11.22.
Variant type: single nucleotide variant.
Coding change: c.750C>T on transcript NM_144651.5 (MANE Select); coding-DNA position 750, C replaced by T.
Protein change: p.Thr250=; no amino-acid change (threonine 250 retained).
Molecular consequence: synonymous variant.
Genome position (GRCh38, 1-based): chr8:51,472,249, G>A on the plus strand (C>T on the coding strand, the complement: PXDNL is on the minus strand). VCF-style: chr8-51472249-G-A. GRCh37 (hg19) VCF-style: chr8-52384809-G-A.
Identifiers: ClinVar variation 3047293 (VCV003047293.3), dbSNP rs372855537, ClinGen allele CA4745540.
Genomic context (GRCh38, chr8:51,472,249, plus strand): 5'-GTTGTGTATCCAAATAATCTCAGGTTTGGGGTTTCCTTCCGCCCGGCAGGTGAAGTAGAC[G>A]GTATTTCCTGATGGTACCTCCACATCCTGCGGCTCAAAAGTAATTCGGGGGCTCTCTGCA-3'
Protein context (NP_653252.4, residues 240-260): PQDVEVPSGN[Thr250=]VYFTCRAEGN